The following is an entry in ClinVar:

NM_014991.6(WDFY3):c.5545A>G (p.Ser1849Gly)

Gene: WDFY3 (WD repeat and FYVE domain containing 3; minus strand). Cytogenetic location: 4q21.23.
Variant type: single nucleotide variant.
Coding change: c.5545A>G on transcript NM_014991.6 (MANE Select); coding-DNA position 5545, A replaced by G.
Protein change: p.Ser1849Gly; replaces serine 1849 with glycine.
Molecular consequence: missense variant.
Genome position (GRCh38, 1-based): chr4:84,755,280, T>C on the plus strand (A>G on the coding strand, the complement: WDFY3 is on the minus strand). VCF-style: chr4-84755280-T-C. GRCh37 (hg19) VCF-style: chr4-85676433-T-C.
Other names: c.5545A>G (NM_014991.4); short protein forms S1849G.
Identifiers: ClinVar variation 2654871 (VCV002654871.26), dbSNP rs116763383, ClinGen allele CA2993037.

ClinVar aggregate classification (germline): Likely benign. Review status: criteria provided, multiple submitters, no conflicts (2 of 4 stars). 3 submissions from 3 submitters: Likely benign (2). 1 of the submissions does not count toward it. Last evaluated 2024-10-31.

Conditions:
WDFY3-related disorder.

Allele frequency attached by ClinVar (database versions not stated): ExAC 0.00077; gnomAD 0.00093; TOPMed 0.00093; 1000 Genomes Project 30x 0.00094; 1000 Genomes Project 0.00100; ESP Exome Variant Server 0.00123; gnomAD exomes 0.00160.
gnomAD v4.1: 2,470 of 1,613,178 alleles (0.15%); highest among the groups gnomAD compares: Non-Finnish European, 0.18%; 4 homozygotes.

Submissions (3):

Blueprint Genetics
Classification: Likely benign. Last evaluated: 2024-10-31. Review status: criteria provided, single submitter. Criteria: ACMG Guidelines, 2015. Collection method: clinical testing. Allele origin: germline.

CeGaT Center for Human Genetics Tuebingen
Classification: Likely benign. Last evaluated: 2023-01-01. Review status: criteria provided, single submitter. Criteria: CeGaT Center For Human Genetics Tuebingen Variant Classification Criteria Version 2. Collection method: clinical testing. Allele origin: germline. Affected: yes. Observed: 1 variant allele.
Comment: WDFY3: PP2, BS1

PreventionGenetics, part of Exact Sciences
Classification: Likely benign for WDFY3-related condition. Last evaluated: 2020-04-20. Review status: no assertion criteria provided. Collection method: clinical testing. Allele origin: germline. Not counted in ClinVar's aggregate classification.
Comment: This variant is classified as likely benign based on ACMG/AMP sequence variant interpretation guidelines (Richards et al. 2015 PMID: 25741868, with internal and published modifications).